The following is an entry in ClinVar:

ClinVar aggregate classification (germline): Likely pathogenic (1 of 4 stars; one submission).

Conditions:
Ritscher-Schinzel syndrome. Also called: CRANIOCEREBELLOCARDIAC DYSPLASIA. Identifiers: Orphanet 7, MedGen C0796137, MONDO:0019078.
Hereditary spastic paraplegia 8 (SPG8). Also called: SPASTIC PARAPLEGIA 8, AUTOSOMAL DOMINANT. Identifiers: Orphanet 100989, MedGen C1863704, MONDO:0011339, OMIM 603563.

Submission:

Labcorp Genetics (formerly Invitae), Labcorp
Classification: Likely pathogenic for Ritscher-Schinzel syndrome; Hereditary spastic paraplegia 8. Last evaluated: 2025-02-27. Review status: criteria provided, single submitter. Criteria: Invitae Variant Classification Sherloc (09022015). Collection method: clinical testing. Allele origin: germline.
Comment: This sequence change affects an acceptor splice site in intron 22 of the WASHC5 gene. It is expected to disrupt RNA splicing. Variants that disrupt the donor or acceptor splice site typically lead to a loss of protein function (PMID: 16199547), and loss-of-function variants in WASHC5 are known to be pathogenic (PMID: 24065355). This variant is not present in population databases (gnomAD no frequency). This variant has not been reported in the literature in individuals affected with WASHC5-related conditions. Algorithms developed to predict the effect of sequence changes on RNA splicing suggest that this variant may disrupt the consensus splice site. In summary, the currently available evidence indicates that the variant is pathogenic, but additional data are needed to prove that conclusively. Therefore, this variant has been classified as Likely Pathogenic.

Literature cited by the submitters: PubMed 16199547; PubMed 24065355.

NM_014846.4(WASHC5):c.2771-2A>G

Genes: WASHC5 (WASH complex subunit 5; minus strand), WASHC5-AS1 (WASHC5 antisense RNA 1; plus strand). Cytogenetic location: 8q24.13.
Variant type: single nucleotide variant.
Coding change: c.2771-2A>G on transcript NM_014846.4 (MANE Select); the canonical splice acceptor site of the intron before coding-DNA position 2771, A replaced by G.
Molecular consequence: splice acceptor variant.
Genome position (GRCh38, 1-based): chr8:125,043,906, T>C on the plus strand (A>G on the coding strand, the complement: WASHC5 is on the minus strand). VCF-style: chr8-125043906-T-C. GRCh37 (hg19) VCF-style: chr8-126056148-T-C.
Other names: c.2327-2A>G (NM_001330609.2).
Identifiers: ClinVar variation 4790773 (VCV004790773.1).
Genomic context (GRCh38, chr8:125,043,906, plus strand): 5'-CGCAGTCCAAATCTTCTGTGTTTTGGCAATGGCGGAAAAATAAATTTTATTTGAATTTGC[T>C]GAAAAGTTAAAACATAATTTTCTCTTTAGTACATTCGTAAAGGCTACAGTGTCATCCCCG-3'